The following is an entry in ClinVar:

NM_001492.6(GDF1):c.456GGC[6] (p.Ala158_Pro159insAla)

Genes: GDF1 (growth differentiation factor 1; minus strand), CERS1 (ceramide synthase 1; minus strand). Cytogenetic location: 19p13.11.
Variant type: Microsatellite.
Coding change: c.456GGC[6] on transcript NM_001492.6 (MANE Select); six copies in a row of the 3-base unit GGC starting at c.456; the reference has five copies in a row; one copy, 3 bases duplicated; also written c.468_470dup.
Protein change: p.Ala158_Pro159insAla.
Molecular consequence: inframe insertion. On other transcripts: 3 prime UTR variant (2).
Genome position (GRCh38, 1-based): chr19:18,869,246-18,869,248, GCC duplicated on the plus strand (GGC on the coding strand, the reverse complement: GDF1 is on the minus strand); duplicating any 3 consecutive bases within chr19:18,869,246-18,869,262 gives the same sequence; the position shown is the placement nearest the transcript's 3' end. VCF-style (leftmost placement, unchanged base first): chr19-18869245-T-TGCC. GRCh37 (hg19) VCF-style: chr19-18980054-T-TGCC.
Other names: p.Ala158dup; c.468_470dup (NM_001492.6); c.*1317GGC[6] (NM_001387440.1); c.*725GGC[6] (NM_021267.5); c.456GGC[6], p.Ala158_Pro159insAla (NM_001387438.1); c.468_470dupGGC (NM_001492.6, NM_001492.4).
Identifiers: ClinVar variation 215496 (VCV000215496.16), dbSNP rs571387097, ClinGen allele CA203599.

ClinVar aggregate classification (germline): Benign. Review status: criteria provided, multiple submitters, no conflicts (2 of 4 stars). 7 submissions from 6 submitters: Benign (7). Last evaluated 2025-02-26.

Conditions:
Visceral heterotaxy. Also called: Heterotaxy syndrome; Heterotaxia. Identifiers: Orphanet 450, MedGen C3178805, MONDO:0018677.
Progressive myoclonic epilepsy type 8. Identifiers: Orphanet 424027, MedGen C5190825, MONDO:0014545, OMIM 616230.

Submissions (7):

Mayo Clinic Laboratories, Mayo Clinic
Classification: Benign. Last evaluated: 2025-02-26. Review status: criteria provided, single submitter. Criteria: ACMG Guidelines, 2015. Collection method: clinical testing. Allele origin: germline. Observed: 2 variant alleles.
Comment: BA1, BS2

Women's Health and Genetics/Laboratory Corporation of America, LabCorp
Classification: Benign. Last evaluated: 2024-06-24. Review status: criteria provided, single submitter. Criteria: LabCorp Variant Classification Summary - May 2015. Collection method: clinical testing. Allele origin: germline.
Comment: Variant summary: GDF1 c.468_470dupGGC (p.Ala158dup) results in an in-frame duplication that is predicted to duplicate one amino acid in the encoded protein. The variant allele was found at a frequency of 0.038 in 31234 control chromosomes in the gnomAD database, including 25 homozygotes. The observed variant frequency is approximately 30000-fold of the estimated maximal expected allele frequency for a pathogenic variant in GDF1 causing Congenital Heart Disease phenotype (1.3e-06). c.468_470dupGGC has been reported in the literature in individuals affected with Congenital Heart Disease (e.g. Meng_2017), however these report(s) do not provide unequivocal conclusions about association of the variant with Congenital Heart Disease. To our knowledge, no experimental evidence demonstrating an impact on protein function has been reported. ClinVar contains an entry for this variant (Variation ID: 215496). Based on the evidence outlined above, the variant was classified as benign.

Labcorp Genetics (formerly Invitae), Labcorp
Classification: Benign for Progressive myoclonic epilepsy type 8. Last evaluated: 2021-12-18. Review status: criteria provided, single submitter. Criteria: Invitae Variant Classification Sherloc (09022015). Collection method: clinical testing. Allele origin: germline.

Labcorp Genetics (formerly Invitae), Labcorp
Classification: Benign for Visceral heterotaxy. Last evaluated: 2016-03-11. Review status: criteria provided, single submitter. Criteria: Invitae Variant Classification Sherloc (09022015). Collection method: clinical testing. Allele origin: germline.

Eurofins Ntd Llc (ga)
Classification: Benign. Last evaluated: 2015-04-17. Review status: criteria provided, single submitter. Criteria: EGL Classification Definitions. Collection method: clinical testing. Allele origin: germline.

GeneDx
Classification: Benign. Last evaluated: 2015-03-03. Review status: criteria provided, single submitter. Criteria: GeneDx Variant Classification Process June 2021. Collection method: clinical testing. Allele origin: germline. Affected: yes.
Comment: This variant is associated with the following publications: (PMID: 31180159, 28973083)

PreventionGenetics, part of Exact Sciences
Classification: Benign. Review status: criteria provided, single submitter. Criteria: ACMG Guidelines, 2015. Collection method: clinical testing. Allele origin: germline.

Literature cited by the submitters: PubMed 28973083 (cited by Mayo Clinic Laboratories, Mayo Clinic and Women's Health and Genetics/Laboratory Corporation of America, LabCorp); PubMed 31180159 (cited by Mayo Clinic Laboratories, Mayo Clinic and Women's Health and Genetics/Laboratory Corporation of America, LabCorp).